The following is an entry in ClinVar:

ClinVar aggregate classification (germline): Conflicting classifications of pathogenicity. Review status: criteria provided, conflicting classifications (1 of 4 stars). 2 submissions from 2 submitters: Uncertain significance (1); Benign (1). Last evaluated 2018-01-13.

Conditions:
Ataxia-telangiectasia-like disorder 1 (ATLD1). Identifiers: Orphanet 251347, MedGen C4012790, MONDO:0024557, OMIM 604391.

Allele frequency attached by ClinVar (database versions not stated): 1000 Genomes Project 30x 0.00016; 1000 Genomes Project 0.00020; gnomAD 0.00032 and 0.00034; TOPMed 0.00035; gnomAD exomes 0.00047.
gnomAD v4.1: 516 of 1,151,934 alleles (0.045%); highest among the groups gnomAD compares: Admixed American, 0.067%; 1 homozygote.

Submissions (2):

Illumina Laboratory Services, Illumina
Classification: Uncertain significance for Ataxia-telangiectasia-like disorder 1. Last evaluated: 2018-01-13. Review status: criteria provided, single submitter. Criteria: ICSL Variant Classification Criteria 13 December 2019. Collection method: clinical testing. Allele origin: germline.

GeneDx
Classification: Benign. Last evaluated: 2013-12-13. Review status: criteria provided, single submitter. Criteria: GeneDx Variant Classification (06012015). Collection method: clinical testing. Allele origin: germline. Affected: yes.
Comment: This variant is considered likely benign or benign based on one or more of the following criteria: it is a conservative change, it occurs at a poorly conserved position in the protein, it is predicted to be benign by multiple in silico algorithms, and/or has population frequency not consistent with disease.

NM_005591.4(MRE11):c.-95A>G

Gene: MRE11 (MRE11 homolog, double strand break repair nuclease; minus strand). Cytogenetic location: 11q21.
Variant type: single nucleotide variant.
Coding change: c.-95A>G on transcript NM_005591.4 (MANE Select); 95 bases upstream of the start codon, A replaced by G.
Molecular consequence: 5 prime UTR variant.
Genome position (GRCh38, 1-based): chr11:94,492,896, T>C on the plus strand (A>G on the coding strand, the complement: MRE11 is on the minus strand). VCF-style: chr11-94492896-T-C. GRCh37 (hg19) VCF-style: chr11-94226062-T-C.
Other names: c.-95A>G (NM_001330347.2, NM_005590.4).
Identifiers: ClinVar variation 182546 (VCV000182546.5), dbSNP rs191426010, ClinGen allele CA299293.